The following is an entry in ClinVar:

NM_002618.4(PEX13):c.1186A>G (p.Lys396Glu)

Gene: PEX13 (peroxisomal biogenesis factor 13; plus strand). Cytogenetic location: 2p15.
Variant type: single nucleotide variant.
Coding change: c.1186A>G on transcript NM_002618.4 (MANE Select); coding-DNA position 1186, A replaced by G.
Protein change: p.Lys396Glu; replaces lysine 396 with glutamic acid.
Molecular consequence: missense variant.
Genome position (GRCh38, 1-based): chr2:61,048,744, A>G. VCF-style: chr2-61048744-A-G. GRCh37 (hg19) VCF-style: chr2-61275879-A-G.
Other names: short protein forms K396E.
Identifiers: ClinVar variation 1439492 (VCV001439492.6), dbSNP rs749088744, ClinGen allele CA48356163.

ClinVar aggregate classification (germline): Uncertain significance (1 of 4 stars; one submission).

Conditions:
Peroxisome biogenesis disorder 11A (Zellweger). Also called: Peroxisome biogenesis disorder 11A. Identifiers: Orphanet 912, MedGen C3554000, MONDO:0013949, OMIM 614883.

Allele frequency attached by ClinVar (database versions not stated): gnomAD exomes below 0.00001.
gnomAD v4.1: 2 of 1,613,924 alleles (0.00012%); highest among the groups gnomAD compares: Non-Finnish European, 0.00017%; no homozygotes.

Submission:

Labcorp Genetics (formerly Invitae), Labcorp
Classification: Uncertain significance for Peroxisome biogenesis disorder 11A (Zellweger). Last evaluated: 2022-08-23. Review status: criteria provided, single submitter. Criteria: Invitae Variant Classification Sherloc (09022015). Collection method: clinical testing. Allele origin: germline.
Comment: ClinVar contains an entry for this variant (Variation ID: 1439492). In summary, the available evidence is currently insufficient to determine the role of this variant in disease. Therefore, it has been classified as a Variant of Uncertain Significance. Algorithms developed to predict the effect of missense changes on protein structure and function (SIFT, PolyPhen-2, Align-GVGD) all suggest that this variant is likely to be tolerated. This variant has not been reported in the literature in individuals affected with PEX13-related conditions. This variant is not present in population databases (gnomAD no frequency). This sequence change replaces lysine, which is basic and polar, with glutamic acid, which is acidic and polar, at codon 396 of the PEX13 protein (p.Lys396Glu).